The following is an entry in ClinVar:

ClinVar aggregate classification (germline): Uncertain significance. Review status: criteria provided, multiple submitters, no conflicts (2 of 4 stars). 3 submissions from 3 submitters: Uncertain significance (2). 1 of the submissions does not count toward it. Last evaluated 2026-02-25.

Conditions:
BBS10-related disorder. Also called: BBS10-related condition.
Bardet-Biedl syndrome 10 (BBS10). Identifiers: Orphanet 110, MedGen C1859568, MONDO:0014438, OMIM 615987.

Allele frequency attached by ClinVar (database versions not stated): TOPMed 0.00002.

Submissions (3):

PreventionGenetics, part of Exact Sciences
Classification: Uncertain significance for BBS10-related condition. Last evaluated: 2026-02-25. Review status: criteria provided, single submitter. Criteria: ACMG Guidelines, 2015. Collection method: clinical testing. Allele origin: germline.
Comment: The BBS10 c.1126C>G variant is predicted to result in the amino acid substitution p.Leu376Val. To our knowledge, this variant has not been reported in the literature or in a large population database (gnomAD), indicating this variant is rare. At this time, the clinical significance of this variant is uncertain due to the absence of conclusive functional and genetic evidence.

Women's Health and Genetics/Laboratory Corporation of America, LabCorp
Classification: Uncertain significance. Last evaluated: 2017-12-28. Review status: criteria provided, single submitter. Criteria: LabCorp Variant Classification Summary - May 2015. Collection method: clinical testing. Allele origin: germline.
Comment: Variant summary: The BBS10 c.1126C>G (p.Leu376Val) variant involves the alteration of a non-conserved nucleotide. Although the variant is located within the chaperonin_like domain, 4/4 in silico tools used predict a benign outcome for this variant (SNPsandGO not captured due to low reliability index). This variant is absent from 215004 control chromosomes of gnomAD dataset. The variant of interest has not, to our knowledge, been reported in affected individuals via publications and/or reputable databases/clinical diagnostic laboratories nor has it been evaluated for functional impact by in vivo/vitro studies. The variant was identified by another lab homozygously in an internal prenatal sample's affected sibling with confirmed dx of Bardet-Biedl syndrome in cis with a likely pathogenic variant c.1767C>A/p.Tyr589X, that has also been inherited homozygously, suggesting a non-pathogenic nature of the variant of interest per ACMG guidelines. Taking all lines of evidence into consideration, the variant is classified as a variant of uncertain significance (VUS)-possibly benign until additional information becomes available.

Natera, Inc.
Classification: Uncertain significance for Bardet-Biedl syndrome type 10. Last evaluated: 2020-01-24. Review status: no assertion criteria provided. Collection method: clinical testing. Allele origin: germline. Not counted in ClinVar's aggregate classification.

NM_024685.4(BBS10):c.1126C>G (p.Leu376Val)

Gene: BBS10 (Bardet-Biedl syndrome 10; minus strand). Cytogenetic location: 12q21.2.
Variant type: single nucleotide variant.
Coding change: c.1126C>G on transcript NM_024685.4 (MANE Select); coding-DNA position 1126, C replaced by G.
Protein change: p.Leu376Val; replaces leucine 376 with valine.
Molecular consequence: missense variant.
Genome position (GRCh38, 1-based): chr12:76,346,859, G>C on the plus strand (C>G on the coding strand, the complement: BBS10 is on the minus strand). VCF-style: chr12-76346859-G-C. GRCh37 (hg19) VCF-style: chr12-76740639-G-C.
Other names: c.1126C>G, p.Leu376Val (LRG_1255t1); short protein forms L376V.
Identifiers: ClinVar variation 632668 (VCV000632668.3), dbSNP rs11109474, ClinGen allele CA239332056.